The following is an entry in ClinVar:

ClinVar aggregate classification (germline): Likely benign (1 of 4 stars; one submission).

Submission:

CeGaT Center for Human Genetics Tuebingen
Classification: Likely benign. Last evaluated: 2022-05-01. Review status: criteria provided, single submitter. Criteria: CeGaT Center For Human Genetics Tuebingen Variant Classification Criteria Version 2. Collection method: clinical testing. Allele origin: germline. Affected: yes. Observed: 1 variant allele.
Comment: AP4M1: PM2:Supporting, BP4, BP7

NM_004722.4(AP4M1):c.63C>T (p.Arg21=)

Gene: AP4M1 (adaptor related protein complex 4 subunit mu 1; plus strand). Cytogenetic location: 7q22.1.
Variant type: single nucleotide variant.
Coding change: c.63C>T on transcript NM_004722.4 (MANE Select); coding-DNA position 63, C replaced by T.
Protein change: p.Arg21=; no amino-acid change (arginine 21 retained).
Molecular consequence: synonymous variant.
Genome position (GRCh38, 1-based): chr7:100,101,884, C>T. VCF-style: chr7-100101884-C-T. GRCh37 (hg19) VCF-style: chr7-99699507-C-T.
Other names: c.63C>T, p.Arg21= (NM_001363671.2).
Identifiers: ClinVar variation 1695199 (VCV001695199.28), dbSNP rs2116616322, ClinGen allele CA456706113.